The following is an entry in ClinVar:

NM_003184.4(TAF2):c.2192G>A (p.Ser731Asn)

Gene: TAF2 (TATA-box binding protein associated factor 2; minus strand). Cytogenetic location: 8q24.12.
Variant type: single nucleotide variant.
Coding change: c.2192G>A on transcript NM_003184.4 (MANE Select); coding-DNA position 2192, G replaced by A.
Protein change: p.Ser731Asn; replaces serine 731 with asparagine.
Molecular consequence: missense variant.
Genome position (GRCh38, 1-based): chr8:119,781,114, C>T on the plus strand (G>A on the coding strand, the complement: TAF2 is on the minus strand). VCF-style: chr8-119781114-C-T. GRCh37 (hg19) VCF-style: chr8-120793354-C-T.
Other names: c.2192G>A (NM_003184.3); short protein forms S731N.
Identifiers: ClinVar variation 1715917 (VCV001715917.6), dbSNP rs1253039395, ClinGen allele CA371878999.
Genomic context (GRCh38, chr8:119,781,114, plus strand): 5'-TTCTGTAGAAAATAGCTTTGAAAGCTCATAAAGTTGTTTGTTTTCACAATGTTTGGACAA[C>T]TTTTACAACAAAACATCCTAGTGAAGAGTGACTTCATGGCTGGTGGTCCTGTCCATGTGC-3'
Protein context (NP_003175.2, residues 721-741): SLFTRMFCCK[Ser731Asn]CPNIVKTNNF

ClinVar aggregate classification (germline): Uncertain significance. Review status: criteria provided, multiple submitters, no conflicts (2 of 4 stars). 2 submissions from 2 submitters: Uncertain significance (2). Last evaluated 2024-12-09.

Conditions:
Inborn genetic diseases. Identifiers: MedGen C0950123, MeSH D030342.

Allele frequency attached by ClinVar (database versions not stated): gnomAD exomes below 0.00001.
gnomAD v4.1: 1 of 1,614,002 alleles (0.000062%); highest among the groups gnomAD compares: Admixed American, 0.0017%; no homozygotes.

Submissions (2):

Labcorp Genetics (formerly Invitae), Labcorp
Classification: Uncertain significance. Last evaluated: 2024-12-09. Review status: criteria provided, single submitter. Criteria: Invitae Variant Classification Sherloc (09022015). Collection method: clinical testing. Allele origin: germline.
Comment: This sequence change replaces serine, which is neutral and polar, with asparagine, which is neutral and polar, at codon 731 of the TAF2 protein (p.Ser731Asn). This variant is present in population databases (no rsID available, gnomAD 0.003%). This variant has not been reported in the literature in individuals affected with TAF2-related conditions. ClinVar contains an entry for this variant (Variation ID: 1715917). Invitae Evidence Modeling of protein sequence and biophysical properties (such as structural, functional, and spatial information, amino acid conservation, physicochemical variation, residue mobility, and thermodynamic stability) indicates that this missense variant is not expected to disrupt TAF2 protein function with a negative predictive value of 80%. In summary, the available evidence is currently insufficient to determine the role of this variant in disease. Therefore, it has been classified as a Variant of Uncertain Significance.

Ambry Genetics
Classification: Uncertain significance for Inborn genetic diseases. Last evaluated: 2024-05-14. Review status: criteria provided, single submitter. Criteria: Ambry Variant Classification Scheme 2023. Collection method: clinical testing. Allele origin: germline.